The following is an entry in ClinVar:

NM_022114.4(PRDM16):c.1930G>A (p.Glu644Lys)

Gene: PRDM16 (PR/SET domain 16; plus strand). Cytogenetic location: 1p36.32.
Variant type: single nucleotide variant.
Coding change: c.1930G>A on transcript NM_022114.4 (MANE Select); coding-DNA position 1930, G replaced by A.
Protein change: p.Glu644Lys; replaces glutamic acid 644 with lysine.
Molecular consequence: missense variant.
Genome position (GRCh38, 1-based): chr1:3,412,127, G>A. VCF-style: chr1-3412127-G-A. GRCh37 (hg19) VCF-style: chr1-3328691-G-A.
Other names: c.1930G>A, p.Glu644Lys (NM_199454.3); short protein forms E644K.
Identifiers: ClinVar variation 392339 (VCV000392339.7), dbSNP rs61756438, ClinGen allele CA544339.

ClinVar aggregate classification (germline): Uncertain significance. Review status: criteria provided, multiple submitters, no conflicts (2 of 4 stars). 2 submissions from 2 submitters: Uncertain significance (2). Last evaluated 2024-10-28.

Conditions:
Left ventricular noncompaction 8 (LVNC8). Identifiers: Orphanet 154, Orphanet 54260, MedGen C3809288, MONDO:0014152, OMIM 615373.

Allele frequency attached by ClinVar (database versions not stated): ExAC 0.00003; gnomAD 0.00004; TOPMed 0.00006; ESP Exome Variant Server 0.00008.
gnomAD v4.1: 98 of 1,566,638 alleles (0.0063%); highest among the groups gnomAD compares: African/African-American, 0.011%; no homozygotes.

Submissions (2):

Labcorp Genetics (formerly Invitae), Labcorp
Classification: Uncertain significance for Left ventricular noncompaction 8. Last evaluated: 2024-10-28. Review status: criteria provided, single submitter. Criteria: Invitae Variant Classification Sherloc (09022015). Collection method: clinical testing. Allele origin: germline.
Comment: This sequence change replaces glutamic acid, which is acidic and polar, with lysine, which is basic and polar, at codon 644 of the PRDM16 protein (p.Glu644Lys). This variant is present in population databases (rs61756438, gnomAD 0.02%). This variant has not been reported in the literature in individuals affected with PRDM16-related conditions. ClinVar contains an entry for this variant (Variation ID: 392339). An algorithm developed to predict the effect of missense changes on protein structure and function (PolyPhen-2) suggests that this variant is likely to be tolerated. In summary, the available evidence is currently insufficient to determine the role of this variant in disease. Therefore, it has been classified as a Variant of Uncertain Significance.

GeneDx
Classification: Uncertain significance. Last evaluated: 2023-12-14. Review status: criteria provided, single submitter. Criteria: GeneDx Variant Classification Process June 2021. Collection method: clinical testing. Allele origin: germline. Affected: yes.
Comment: In silico analysis supports that this missense variant does not alter protein structure/function; Has not been previously published as pathogenic or benign to our knowledge